The following is an entry in ClinVar:

NM_000276.4(OCRL):c.1951G>A (p.Asp651Asn)

Gene: OCRL (OCRL inositol polyphosphate-5-phosphatase; plus strand). Cytogenetic location: Xq26.1.
Variant type: single nucleotide variant.
Coding change: c.1951G>A on transcript NM_000276.4 (MANE Select); coding-DNA position 1951, G replaced by A.
Protein change: p.Asp651Asn; replaces aspartic acid 651 with asparagine.
Molecular consequence: missense variant.
Genome position (GRCh38, 1-based): chrX:129,576,388, G>A. VCF-style: chrX-129576388-G-A. GRCh37 (hg19) VCF-style: chrX-128710365-G-A.
Other names: c.1954G>A, p.Asp652Asn (NM_001318784.2); c.1951G>A, p.Asp651Asn (NM_001587.4); short protein forms D651N, D652N.
Identifiers: ClinVar variation 4281903 (VCV004281903.1).
Genomic context (GRCh38, chrX:129,576,388, plus strand): 5'-GACATTTCTCTTGATGTGTATGTCAGCAAAGACTCTGTAACCATCCTGAACTCGGGAGAA[G>A]ATAAGATTGAAGATATTCTCGTCCTTCACCTGGATCGAGGCAAAGATTACTTCTTGACTA-3'
Protein context (NP_000267.2, residues 641-661): DSVTILNSGE[Asp651Asn]KIEDILVLHL

ClinVar aggregate classification (germline): Uncertain significance (1 of 4 stars; one submission).

Submission:

GeneDx
Classification: Uncertain significance. Last evaluated: 2025-04-10. Review status: criteria provided, single submitter. Criteria: GeneDx Variant Classification Process June 2021. Collection method: clinical testing. Allele origin: germline. Affected: yes.
Comment: Not observed at significant frequency in large population cohorts (gnomAD); In silico analysis supports that this missense variant has a deleterious effect on protein structure/function; Has not been previously published as pathogenic or benign to our knowledge